The following is an entry in ClinVar:

ClinVar aggregate classification (germline): Likely pathogenic (1 of 4 stars; one submission).

Conditions:
Hereditary cancer-predisposing syndrome. Also called: Hereditary Cancer Syndrome; Neoplastic Syndromes, Hereditary; Tumor predisposition; Hereditary neoplastic syndrome. Identifiers: Orphanet 140162, MedGen C0027672, MeSH D009386, MONDO:0015356.

Submission:

Labcorp Genetics (formerly Invitae), Labcorp
Classification: Likely pathogenic for Hereditary cancer-predisposing syndrome. Last evaluated: 2016-03-10. Review status: criteria provided, single submitter. Criteria: Invitae Variant Classification Sherloc (09022015). Collection method: clinical testing. Allele origin: germline.
Comment: This variant is a gross duplication of the genomic region encompassing exon 23 of the RAD50 gene. While the exact position of the duplicated exon cannot be determined from this data, the duplicated copy of this region is likely in tandem and may result in an absent or disrupted protein product. This variant is not present in population databases and has not been reported in the literature in individuals with a RAD50-related disease. For these reasons, this variant has been classified as Likely Pathogenic.

NM_005732.3(RAD50):c.3476-?_3618+?dup

Gene: RAD50 (RAD50 double strand break repair protein; plus strand).
Variant type: Duplication.
Coding change: c.3476-?_3618+?dup on transcript NM_005732.3.
Identifiers: ClinVar variation 254084 (VCV000254084.1).